The following is an entry in ClinVar:

ClinVar aggregate classification (germline): Uncertain significance. Review status: criteria provided, multiple submitters, no conflicts (2 of 4 stars). 2 submissions from 2 submitters: Uncertain significance (2). Last evaluated 2025-10-19.

Allele frequency attached by ClinVar (database versions not stated): gnomAD 0.00002; gnomAD exomes 0.00002 and 0.00008; TOPMed 0.00007; ExAC 0.00008; ESP Exome Variant Server 0.00008.
gnomAD v4.1: 29 of 1,613,610 alleles (0.0018%); highest among the groups gnomAD compares: Admixed American, 0.03%; no homozygotes.

Submissions (2):

Labcorp Genetics (formerly Invitae), Labcorp
Classification: Uncertain significance. Last evaluated: 2025-10-19. Review status: criteria provided, single submitter. Criteria: Invitae Variant Classification Sherloc (09022015). Collection method: clinical testing. Allele origin: germline.
Comment: This sequence change replaces arginine, which is basic and polar, with glutamine, which is neutral and polar, at codon 765 of the LRRC8A protein (p.Arg765Gln). This variant is present in population databases (rs377654430, gnomAD 0.04%). This variant has not been reported in the literature in individuals affected with LRRC8A-related conditions. ClinVar contains an entry for this variant (Variation ID: 1441320). An algorithm developed to predict the effect of missense changes on protein structure and function (PolyPhen-2) suggests that this variant is likely to be disruptive. In summary, the available evidence is currently insufficient to determine the role of this variant in disease. Therefore, it has been classified as a Variant of Uncertain Significance.

Ambry Genetics
Classification: Uncertain significance. Last evaluated: 2024-04-23. Review status: criteria provided, single submitter. Criteria: Ambry Variant Classification Scheme 2023. Collection method: clinical testing. Allele origin: germline.

NM_019594.4(LRRC8A):c.2294G>A (p.Arg765Gln)

Gene: LRRC8A (leucine rich repeat containing 8 VRAC subunit A; plus strand). Cytogenetic location: 9q34.11.
Variant type: single nucleotide variant.
Coding change: c.2294G>A on transcript NM_019594.4 (MANE Select); coding-DNA position 2294, G replaced by A.
Protein change: p.Arg765Gln; replaces arginine 765 with glutamine.
Molecular consequence: missense variant.
Genome position (GRCh38, 1-based): chr9:128,916,232, G>A. VCF-style: chr9-128916232-G-A. GRCh37 (hg19) VCF-style: chr9-131678511-G-A.
Other names: c.2294G>A, p.Arg765Gln (NM_001127244.2, NM_001127245.2); c.2294G>A (NM_001127244.1); short protein forms R765Q.
Identifiers: ClinVar variation 1441320 (VCV001441320.7), dbSNP rs377654430, ClinGen allele CA5271059.